The following is an entry in ClinVar:

ClinVar aggregate classification (germline): Conflicting classifications of pathogenicity. Review status: criteria provided, conflicting classifications (1 of 4 stars). 3 submissions from 3 submitters: Uncertain significance (2); Likely benign (1). Last evaluated 2023-09-03.

Conditions:
Hereditary cancer-predisposing syndrome. Also called: Hereditary neoplastic syndrome; Tumor predisposition; Neoplastic Syndromes, Hereditary; Hereditary Cancer Syndrome. Identifiers: Orphanet 140162, MedGen C0027672, MeSH D009386, MONDO:0015356.
Hereditary breast ovarian cancer syndrome. Also called: Hereditary breast and ovarian cancer; Hereditary breast and/or ovarian cancer syndrome; Hereditary breast and ovarian cancer syndrome; Hereditary breast and ovarian cancer syndrome (HBOC); Breast and ovarian cancer; BRCA1- and BRCA2-Associated Hereditary Breast and Ovarian Cancer. Identifiers: Orphanet 145, MedGen C0677776, MeSH D061325, MONDO:0003582. Disease mechanism: loss of function.

Allele frequency attached by ClinVar (database versions not stated): TOPMed below 0.00001.

Submissions (3):

Labcorp Genetics (formerly Invitae), Labcorp
Classification: Uncertain significance for Hereditary breast ovarian cancer syndrome. Last evaluated: 2023-09-03. Review status: criteria provided, single submitter. Criteria: Invitae Variant Classification Sherloc (09022015). Collection method: clinical testing. Allele origin: germline.
Comment: This sequence change replaces leucine, which is neutral and non-polar, with phenylalanine, which is neutral and non-polar, at codon 834 of the BRCA2 protein (p.Leu834Phe). This variant is present in population databases (no rsID available, gnomAD no frequency). This missense change has been observed in individual(s) with breast cancer (PMID: 30287823). ClinVar contains an entry for this variant (Variation ID: 421157). Advanced modeling of protein sequence and biophysical properties (such as structural, functional, and spatial information, amino acid conservation, physicochemical variation, residue mobility, and thermodynamic stability) performed at Invitae indicates that this missense variant is not expected to disrupt BRCA2 protein function. In summary, the available evidence is currently insufficient to determine the role of this variant in disease. Therefore, it has been classified as a Variant of Uncertain Significance.

University of Washington Department of Laboratory Medicine, University of Washington
Classification: Likely benign for Hereditary cancer-predisposing syndrome. Last evaluated: 2023-03-23. Review status: criteria provided, single submitter. Criteria: Dines et al. (Genet Med. 2020). Collection method: curation. Allele origin: germline.
Comment: Missense variant in a coldspot region where missense variants are very unlikely to be pathogenic (PMID:31911673).

BRCA2 exon 11 coldspot. Reclassification based on statistical prior probability.

GeneDx
Classification: Uncertain significance. Last evaluated: 2022-09-22. Review status: criteria provided, single submitter. Criteria: GeneDx Variant Classification Process June 2021. Collection method: clinical testing. Allele origin: germline. Affected: yes.
Comment: Observed in a breast cancer case and also in healthy male controls (Momozawa 2018); Not observed in large population cohorts (gnomAD); In silico analysis supports that this missense variant has a deleterious effect on protein structure/function; Also known as 2730G>T; This variant is associated with the following publications: (PMID: 30287823)

Literature cited by the submitters: PubMed 30287823 (cited by Labcorp Genetics (formerly Invitae), Labcorp).

NM_000059.4(BRCA2):c.2502G>T (p.Leu834Phe)

Gene: BRCA2 (BRCA2 DNA repair associated; plus strand). Cytogenetic location: 13q13.1.
Variant type: single nucleotide variant.
Coding change: c.2502G>T on transcript NM_000059.4 (MANE Select); coding-DNA position 2502, G replaced by T.
Protein change: p.Leu834Phe; replaces leucine 834 with phenylalanine.
Molecular consequence: missense variant.
Genome position (GRCh38, 1-based): chr13:32,336,857, G>T. VCF-style: chr13-32336857-G-T. GRCh37 (hg19) VCF-style: chr13-32910994-G-T.
Other names: short protein forms L834F.
Identifiers: ClinVar variation 421157 (VCV000421157.10), dbSNP rs1064794947, ClinGen allele CA16619673.